The following is an entry in ClinVar:

NM_147127.5(EVC2):c.1909C>A (p.Gln637Lys)

Gene: EVC2 (EvC ciliary complex subunit 2; minus strand). Cytogenetic location: 4p16.2.
Variant type: single nucleotide variant.
Coding change: c.1909C>A on transcript NM_147127.5 (MANE Select); coding-DNA position 1909, C replaced by A.
Protein change: p.Gln637Lys; replaces glutamine 637 with lysine.
Molecular consequence: missense variant.
Genome position (GRCh38, 1-based): chr4:5,625,886, G>T on the plus strand (C>A on the coding strand, the complement: EVC2 is on the minus strand). VCF-style: chr4-5625886-G-T. GRCh37 (hg19) VCF-style: chr4-5627613-G-T.
Other names: c.1669C>A, p.Gln557Lys (NM_001166136.2); short protein forms Q557K, Q637K.
Identifiers: ClinVar variation 1723450 (VCV001723450.1), dbSNP rs2475386275, ClinGen allele CA356146202.

ClinVar aggregate classification (germline): Uncertain significance (1 of 4 stars; one submission).

Submission:

Women's Health and Genetics/Laboratory Corporation of America, LabCorp
Classification: Uncertain significance. Last evaluated: 2022-10-04. Review status: criteria provided, single submitter. Criteria: LabCorp Variant Classification Summary - May 2015. Collection method: clinical testing. Allele origin: germline.
Comment: Variant summary: EVC2 c.1909C>A (p.Gln637Lys) results in a conservative amino acid change in the encoded protein sequence. Three of five in-silico tools predict a damaging effect of the variant on protein function. The variant was absent in 251458 control chromosomes (gnomAD). The available data on variant occurrences in the general population are insufficient to allow any conclusion about variant significance. To our knowledge, no occurrence of c.1909C>A in individuals affected with Ellis-Van Creveld Syndrome and no experimental evidence demonstrating its impact on protein function have been reported. No clinical diagnostic laboratories have submitted clinical-significance assessments for this variant to ClinVar after 2014. Based on the evidence outlined above, the variant was classified as uncertain significance.